The following is an entry in ClinVar:

ClinVar aggregate classification (germline): Benign. Review status: criteria provided, multiple submitters, no conflicts (2 of 4 stars). 2 submissions from 2 submitters: Benign (2). Last evaluated 2018-06-14.

Allele frequency attached by ClinVar (database versions not stated): gnomAD exomes 0.00602 and 0.01435; ExAC 0.02446; gnomAD 0.06013 and 0.06423; 1000 Genomes Project 0.06210; 1000 Genomes Project 30x 0.06418; TOPMed 0.06754.
gnomAD v4.1: 16,646 of 1,338,736 alleles (1.2%); highest among the groups gnomAD compares: African/African-American, 21%; 1,624 homozygotes.

Submissions (2):

GeneDx
Classification: Benign. Last evaluated: 2018-06-14. Review status: criteria provided, single submitter. Criteria: GeneDx Variant Classification (06012015). Collection method: clinical testing. Allele origin: germline. Affected: yes.
Comment: This variant is considered likely benign or benign based on one or more of the following criteria: it is a conservative change, it occurs at a poorly conserved position in the protein, it is predicted to be benign by multiple in silico algorithms, and/or has population frequency not consistent with disease.

Breakthrough Genomics
Classification: Benign. Review status: criteria provided, single submitter. Criteria: ACMG Guidelines, 2015. Collection method: not provided. Allele origin: germline. Inheritance: Autosomal recessive inheritance. Affected: yes.

NM_006907.4(PYCR1):c.797+140C>T

Gene: PYCR1 (pyrroline-5-carboxylate reductase 1; minus strand). Cytogenetic location: 17q25.3.
Variant type: single nucleotide variant.
Coding change: c.797+140C>T on transcript NM_006907.4 (MANE Select); 140 bases into the intron after coding-DNA position 797, C replaced by T.
Molecular consequence: intron variant.
Genome position (GRCh38, 1-based): chr17:81,934,186, G>A on the plus strand (C>T on the coding strand, the complement: PYCR1 is on the minus strand). VCF-style: chr17-81934186-G-A. GRCh37 (hg19) VCF-style: chr17-79892062-G-A.
Other names: c.704+140C>T (NM_001282279.2); c.633+467C>T (NM_001330523.2); c.797+140C>T (NM_001282280.2, NM_153824.3); c.878+140C>T (NM_001282281.2).
Identifiers: ClinVar variation 678636 (VCV000678636.2), dbSNP rs1105628, ClinGen allele CA8845275.